The following is an entry in ClinVar:

NM_001148.6(ANK2):c.3075C>T (p.Gly1025=)

Gene: ANK2 (ankyrin 2; plus strand). Cytogenetic location: 4q26.
Variant type: single nucleotide variant.
Coding change: c.3075C>T on transcript NM_001148.6 (MANE Select); coding-DNA position 3075, C replaced by T.
Protein change: p.Gly1025=; no amino-acid change (glycine 1025 retained).
Molecular consequence: synonymous variant.
Genome position (GRCh38, 1-based): chr4:113,330,420, C>T. VCF-style: chr4-113330420-C-T. GRCh37 (hg19) VCF-style: chr4-114251576-C-T.
Other names: c.3048C>T, p.Gly1016= (NM_001127493.3); c.3087C>T, p.Gly1029= (NM_001354225.2); c.3075C>T, p.Gly1025= (NM_001354228.2, NM_001354258.2, NM_020977.5); c.3153C>T, p.Gly1051= (NM_001354230.2, NM_001354237.2); c.3117C>T, p.Gly1039= (NM_001354231.2, NM_001354242.2); c.3111C>T, p.Gly1037= (NM_001354232.2); c.3072C>T, p.Gly1024= (NM_001354235.2, NM_001354236.2, NM_001354246.2 and 1 more transcripts); c.3045C>T, p.Gly1015= (NM_001354239.2, NM_001354252.2, NM_001354272.2); and 23 more.
Identifiers: ClinVar variation 1727302 (VCV001727302.3), dbSNP rs770235217, ClinGen allele CA3050763.

ClinVar aggregate classification (germline): Likely benign. Review status: criteria provided, multiple submitters, no conflicts (2 of 4 stars). 2 submissions from 2 submitters: Likely benign (2). Last evaluated 2025-08-07.

Conditions:
ANK2-related disorder. Also called: ANK2-related condition.
Cardiovascular phenotype. Identifiers: MedGen CN230736.

Allele frequency attached by ClinVar (database versions not stated): gnomAD exomes below 0.00001; ExAC 0.00001.
gnomAD v4.1: 1 of 1,614,228 alleles (0.000062%); highest among the groups gnomAD compares: Non-Finnish European, 0.000085%; no homozygotes.

Submissions (2):

PreventionGenetics, part of Exact Sciences
Classification: Likely benign for ANK2-related condition. Last evaluated: 2025-08-07. Review status: criteria provided, single submitter. Criteria: ACMG Guidelines, 2015. Collection method: clinical testing. Allele origin: germline.
Comment: This variant is classified as likely benign based on ACMG/AMP sequence variant interpretation guidelines (Richards et al. 2015 PMID: 25741868, with internal and published modifications).

Ambry Genetics
Classification: Likely benign for Cardiovascular phenotype. Last evaluated: 2020-11-22. Review status: criteria provided, single submitter. Criteria: Ambry Variant Classification Scheme 2023. Collection method: clinical testing. Allele origin: germline.